The following is an entry in ClinVar:

NM_001127217.3(SMAD9):c.4C>G (p.His2Asp)

Gene: SMAD9 (SMAD family member 9; minus strand). Cytogenetic location: 13q13.3.
Variant type: single nucleotide variant.
Coding change: c.4C>G on transcript NM_001127217.3 (MANE Select); coding-DNA position 4, C replaced by G.
Protein change: p.His2Asp; replaces histidine 2 with aspartic acid.
Molecular consequence: missense variant.
Genome position (GRCh38, 1-based): chr13:36,879,686, G>C on the plus strand (C>G on the coding strand, the complement: SMAD9 is on the minus strand). VCF-style: chr13-36879686-G-C. GRCh37 (hg19) VCF-style: chr13-37453823-G-C.
Other names: c.4C>G, p.His2Asp (NM_001378621.1, NM_005905.6); short protein forms H2D.
Identifiers: ClinVar variation 2166714 (VCV002166714.2), dbSNP rs941764904, ClinGen allele CA248181853.
Genomic context (GRCh38, chr13:36,879,686, plus strand): 5'-GCAGTCTCTTCACTGCGGGGCTGGTGAAGGAGAAGAGGGAGCTGATGGGGGTGGTGGAGT[G>C]CATAAGAGGCCACAGCAGGCTCCGGCGCGCACGGGAACCGCACAGCCCTTCACGGCAAAG-3'
Protein context (NP_001120689.1, residues 1-12): M[His2Asp]STTPISSLFS

ClinVar aggregate classification (germline): Uncertain significance (1 of 4 stars; one submission).

Conditions:
Pulmonary hypertension, primary, 2. Identifiers: Orphanet 422, MedGen C3888002, MONDO:0014134, OMIM 615342.

Submission:

Labcorp Genetics (formerly Invitae), Labcorp
Classification: Uncertain significance for Pulmonary hypertension, primary, 2. Last evaluated: 2022-03-02. Review status: criteria provided, single submitter. Criteria: Invitae Variant Classification Sherloc (09022015). Collection method: clinical testing. Allele origin: germline.
Comment: In summary, the available evidence is currently insufficient to determine the role of this variant in disease. Therefore, it has been classified as a Variant of Uncertain Significance. Advanced modeling of protein sequence and biophysical properties (such as structural, functional, and spatial information, amino acid conservation, physicochemical variation, residue mobility, and thermodynamic stability) performed at Invitae indicates that this missense variant is not expected to disrupt SMAD9 protein function. This variant has not been reported in the literature in individuals affected with SMAD9-related conditions. This variant is present in population databases (no rsID available, gnomAD 0.003%). This sequence change replaces histidine, which is basic and polar, with aspartic acid, which is acidic and polar, at codon 2 of the SMAD9 protein (p.His2Asp).